The following is an entry in ClinVar:

NM_001039591.3(USP9X):c.397A>G (p.Thr133Ala)

Gene: USP9X (ubiquitin specific peptidase 9 X-linked; plus strand). Cytogenetic location: Xp11.4.
Variant type: single nucleotide variant.
Coding change: c.397A>G on transcript NM_001039591.3 (MANE Select); coding-DNA position 397, A replaced by G.
Protein change: p.Thr133Ala; replaces threonine 133 with alanine.
Molecular consequence: missense variant.
Genome position (GRCh38, 1-based): chrX:41,134,799, A>G. VCF-style: chrX-41134799-A-G. GRCh37 (hg19) VCF-style: chrX-40994052-A-G.
Other names: c.397A>G, p.Thr133Ala (NM_001039590.3, NM_001410748.1, NM_001410749.1); short protein forms T133A.
Identifiers: ClinVar variation 1810710 (VCV001810710.2), dbSNP rs1469747830, ClinGen allele CA412761987.

ClinVar aggregate classification (germline): Uncertain significance (1 of 4 stars; one submission).

Allele frequency attached by ClinVar (database versions not stated): TOPMed below 0.00001.
gnomAD v4.1: 1 of 1,210,631 alleles (0.000083%); highest among the groups gnomAD compares: Admixed American, 0.0022%; no homozygotes.

Submission:

GeneDx
Classification: Uncertain significance. Last evaluated: 2024-05-16. Review status: criteria provided, single submitter. Criteria: GeneDx Variant Classification Process June 2021. Collection method: clinical testing. Allele origin: germline.
Comment: Not observed at significant frequency in large population cohorts (gnomAD); In silico analysis supports that this missense variant has a deleterious effect on protein structure/function; Has not been previously published as pathogenic or benign to our knowledge